The following is an entry in ClinVar:

NM_004380.3(CREBBP):c.4121G>C (p.Gly1374Ala)

Gene: CREBBP (CREB binding lysine acetyltransferase; minus strand). Cytogenetic location: 16p13.3.
Variant type: single nucleotide variant.
Coding change: c.4121G>C on transcript NM_004380.3 (MANE Select); coding-DNA position 4121, G replaced by C.
Protein change: p.Gly1374Ala; replaces glycine 1374 with alanine.
Molecular consequence: missense variant.
Genome position (GRCh38, 1-based): chr16:3,740,411, C>G on the plus strand (G>C on the coding strand, the complement: CREBBP is on the minus strand). VCF-style: chr16-3740411-C-G. GRCh37 (hg19) VCF-style: chr16-3790412-C-G.
Other names: c.4007G>C, p.Gly1336Ala (NM_001079846.1); short protein forms G1336A, G1374A.
Identifiers: ClinVar variation 1223831 (VCV001223831.6), dbSNP rs2052174869, ClinGen allele CA394565222.

ClinVar aggregate classification (germline): Uncertain significance. Review status: criteria provided, multiple submitters, no conflicts (2 of 4 stars). 4 submissions from 4 submitters: Uncertain significance (4). Last evaluated 2026-03-11.

Conditions:
Rubinstein-Taybi syndrome due to CREBBP mutations (RSTS1). Also called: RUBINSTEIN-TAYBI SYNDROME 1, INCOMPLETE; BROAD THUMB-HALLUX SYNDROME; BROAD THUMBS AND GREAT TOES, CHARACTERISTIC FACIES, AND IMPAIRED INTELLECTUAL DEVELOPMENT; Rubinstein-Taybi syndrome 1; CREBBP-Related Rubinstein-Taybi Syndrome; RUBINSTEIN SYNDROME. Identifiers: Orphanet 353277, Orphanet 783, MedGen C4551859, MONDO:0008393, OMIM 180849.
Menke-Hennekam syndrome 1 (MKHK1). Identifiers: MedGen C5193034, MONDO:0020763, OMIM 618332.
Inborn genetic diseases. Identifiers: MedGen C0950123, MeSH D030342.
CREBBP-related disorder. Also called: CREBBP-related condition; CREBBP-related disorders.

Allele frequency attached by ClinVar (database versions not stated): gnomAD exomes below 0.00001; TOPMed below 0.00001; gnomAD 0.00001.
gnomAD v4.1: 6 of 1,614,058 alleles (0.00037%); highest among the groups gnomAD compares: Non-Finnish European, 0.00051%; no homozygotes.

Submissions (4):

PreventionGenetics, part of Exact Sciences
Classification: Uncertain significance for CREBBP-related condition. Last evaluated: 2026-03-11. Review status: criteria provided, single submitter. Criteria: ACMG Guidelines, 2015. Collection method: clinical testing. Allele origin: germline.
Comment: The CREBBP c.4121G>C variant is predicted to result in the amino acid substitution p.Gly1374Ala. To our knowledge, this variant has not been reported in the literature or in a large population database (gnomAD), indicating this variant is rare. At this time, the clinical significance of this variant is uncertain due to the absence of conclusive functional and genetic evidence.

Ambry Genetics
Classification: Uncertain significance for Inborn genetic diseases. Last evaluated: 2024-12-20. Review status: criteria provided, single submitter. Criteria: Ambry Variant Classification Scheme 2023. Collection method: clinical testing. Allele origin: germline.

Fulgent Genetics
Classification: Uncertain significance for Rubinstein-Taybi syndrome due to CREBBP mutations; Menke-Hennekam syndrome 1. Last evaluated: 2021-10-31. Review status: criteria provided, single submitter. Criteria: ACMG Guidelines, 2015. Collection method: clinical testing. Allele origin: unknown.

GeneDx
Classification: Uncertain significance. Last evaluated: 2020-12-18. Review status: criteria provided, single submitter. Criteria: GeneDx Variant Classification Process June 2021. Collection method: clinical testing. Allele origin: germline. Affected: yes.
Comment: Has not been previously published as pathogenic or benign to our knowledge; Not observed in large population cohorts (Lek et al., 2016); In silico analysis supports that this missense variant has a deleterious effect on protein structure/function